The following is an entry in ClinVar:

ClinVar aggregate classification (germline): Likely benign. Review status: criteria provided, single submitter (1 of 4 stars). 2 submissions from 2 submitters: Likely benign (1). 1 of the submissions does not count toward it. Last evaluated 2022-11-15.

Conditions:
SIM1-related disorder. Also called: SIM1-related disorders; SIM1-related condition.

Allele frequency attached by ClinVar (database versions not stated): gnomAD 0.00002; TOPMed 0.00002; gnomAD exomes 0.00003 and 0.00008; ExAC 0.00007.
gnomAD v4.1: 41 of 1,614,012 alleles (0.0025%); highest among the groups gnomAD compares: Admixed American, 0.032%; no homozygotes.

Submissions (2):

Labcorp Genetics (formerly Invitae), Labcorp
Classification: Likely benign. Last evaluated: 2022-11-15. Review status: criteria provided, single submitter. Criteria: Invitae Variant Classification Sherloc (09022015). Collection method: clinical testing. Allele origin: germline.

PreventionGenetics, part of Exact Sciences
Classification: Likely benign for SIM1-related condition. Last evaluated: 2020-06-12. Review status: no assertion criteria provided. Collection method: clinical testing. Allele origin: germline. Not counted in ClinVar's aggregate classification.
Comment: This variant is classified as likely benign based on ACMG/AMP sequence variant interpretation guidelines (Richards et al. 2015 PMID: 25741868, with internal and published modifications).

NM_005068.3(SIM1):c.423C>T (p.Thr141=)

Gene: SIM1 (SIM bHLH transcription factor 1; minus strand). Cytogenetic location: 6q16.3.
Variant type: single nucleotide variant.
Coding change: c.423C>T on transcript NM_005068.3 (MANE Select); coding-DNA position 423, C replaced by T.
Protein change: p.Thr141=; no amino-acid change (threonine 141 retained).
Molecular consequence: synonymous variant.
Genome position (GRCh38, 1-based): chr6:100,449,625, G>A on the plus strand (C>T on the coding strand, the complement: SIM1 is on the minus strand). VCF-style: chr6-100449625-G-A. GRCh37 (hg19) VCF-style: chr6-100897501-G-A.
Other names: c.423C>T, p.Thr141= (NM_001374769.1).
Identifiers: ClinVar variation 748509 (VCV000748509.8), dbSNP rs754523193, ClinGen allele CA3937320.